The following is an entry in ClinVar:

ClinVar aggregate classification (germline): Conflicting classifications of pathogenicity. Review status: criteria provided, conflicting classifications (1 of 4 stars). 3 submissions from 3 submitters: Uncertain significance (1); Likely benign (2). Last evaluated 2025-12-22.

Conditions:
CHIME syndrome (CHIME). Also called: COLOBOMA, CONGENITAL HEART DISEASE, ICHTHYOSIFORM DERMATOSIS, IMPAIRED INTELLECTUAL DEVELOPMENT, AND EAR ANOMALIES SYNDROME; GLYCOSYLPHOSPHATIDYLINOSITOL BIOSYNTHESIS DEFECT 5. Identifiers: Orphanet 3474, MedGen C1848392, MONDO:0010221, OMIM 280000.

Allele frequency attached by ClinVar (database versions not stated): gnomAD exomes 0.00001 and 0.00002; ExAC 0.00002; gnomAD 0.00008; TOPMed 0.00008; ESP Exome Variant Server 0.00015; 1000 Genomes Project 30x 0.00016; 1000 Genomes Project 0.00020.
gnomAD v4.1: 40 of 1,613,880 alleles (0.0025%); highest among the groups gnomAD compares: African/African-American, 0.031%; no homozygotes.

Submissions (3):

Labcorp Genetics (formerly Invitae), Labcorp
Classification: Likely benign. Last evaluated: 2025-12-22. Review status: criteria provided, single submitter. Criteria: Invitae Variant Classification Sherloc (09022015). Collection method: clinical testing. Allele origin: germline.

CeGaT Center for Human Genetics Tuebingen
Classification: Likely benign. Last evaluated: 2023-01-01. Review status: criteria provided, single submitter. Criteria: CeGaT Center For Human Genetics Tuebingen Variant Classification Criteria Version 2. Collection method: clinical testing. Allele origin: germline. Affected: yes. Observed: 1 variant allele.
Comment: PIGL: BP4, BP7

Genetic Services Laboratory, University of Chicago
Classification: Uncertain significance for CHIME syndrome. Last evaluated: 2013-02-08. Review status: criteria provided, single submitter. Criteria: ACMG Guidelines, 2007. Collection method: clinical testing. Allele origin: germline. Inheritance: Autosomal recessive inheritance.

NM_004278.4(PIGL):c.627C>T (p.Phe209=)

Gene: PIGL (phosphatidylinositol glycan anchor biosynthesis class L; plus strand). Cytogenetic location: 17p11.2.
Variant type: single nucleotide variant.
Coding change: c.627C>T on transcript NM_004278.4 (MANE Select); coding-DNA position 627, C replaced by T.
Protein change: p.Phe209=; no amino-acid change (phenylalanine 209 retained).
Molecular consequence: synonymous variant.
Genome position (GRCh38, 1-based): chr17:16,317,875, C>T. VCF-style: chr17-16317875-C-T. GRCh37 (hg19) VCF-style: chr17-16221189-C-T.
Identifiers: ClinVar variation 159717 (VCV000159717.40), dbSNP rs146164310, ClinGen allele CA173179.